The following is an entry in ClinVar:

ClinVar aggregate classification (germline): Uncertain significance (1 of 4 stars; one submission).

Conditions:
Cardiovascular phenotype. Identifiers: MedGen CN230736.

Submission:

Ambry Genetics
Classification: Uncertain significance for Cardiovascular phenotype. Last evaluated: 2024-08-11. Review status: criteria provided, single submitter. Criteria: Ambry Variant Classification Scheme 2023. Collection method: clinical testing. Allele origin: germline.
Comment: The p.V303M variant (also known as c.907G>A), located in coding exon 1 of the ZNF469 gene, results from a G to A substitution at nucleotide position 907. The valine at codon 303 is replaced by methionine, an amino acid with highly similar properties. This amino acid position is conserved. In addition, this alteration is predicted to be tolerated by in silico analysis. Based on the available evidence, the clinical significance of this variant remains unclear.

NM_001367624.2(ZNF469):c.907G>A (p.Val303Met)

Gene: ZNF469 (zinc finger protein 469; plus strand). Cytogenetic location: 16q24.2.
Variant type: single nucleotide variant.
Coding change: c.907G>A on transcript NM_001367624.2 (MANE Select); coding-DNA position 907, G replaced by A.
Protein change: p.Val303Met; replaces valine 303 with methionine.
Molecular consequence: missense variant.
Genome position (GRCh38, 1-based): chr16:88,428,377, G>A. VCF-style: chr16-88428377-G-A. GRCh37 (hg19) VCF-style: chr16-88494785-G-A.
Other names: NM_001127464.1:c.907G>A; short protein forms V303M.
Identifiers: ClinVar variation 3476182 (VCV003476182.1).